The following is an entry in ClinVar:

ClinVar aggregate classification (germline): Conflicting classifications of pathogenicity. Review status: criteria provided, conflicting classifications (1 of 4 stars). 3 submissions from 3 submitters: Uncertain significance (1); Benign (1). 1 of the submissions does not count toward it. Last evaluated 2025-04-08.

Conditions:
Epileptic encephalopathy. Identifiers: MedGen C0543888, HP:0200134.
GABBR2-related disorder. Also called: GABBR2-related condition; GABBR2-related disorders.

Allele frequency attached by ClinVar (database versions not stated): TOPMed below 0.00001; ExAC 0.00001; gnomAD 0.00001.
gnomAD v4.1: 4 of 1,614,060 alleles (0.00025%); highest among the groups gnomAD compares: Non-Finnish European, 0.00034%; no homozygotes.

Submissions (3):

Labcorp Genetics (formerly Invitae), Labcorp
Classification: Benign for Epileptic encephalopathy. Last evaluated: 2025-04-08. Review status: criteria provided, single submitter. Criteria: Invitae Variant Classification Sherloc (09022015). Collection method: clinical testing. Allele origin: germline.

Blueprint Genetics
Classification: Uncertain significance. Last evaluated: 2023-05-09. Review status: criteria provided, single submitter. Criteria: ACMG Guidelines, 2015. Collection method: clinical testing. Allele origin: germline.

PreventionGenetics, part of Exact Sciences
Classification: Uncertain significance for GABBR2-related condition. Last evaluated: 2024-06-26. Review status: no assertion criteria provided. Collection method: clinical testing. Allele origin: germline. Not counted in ClinVar's aggregate classification.
Comment: The GABBR2 c.2257G>T variant is predicted to result in the amino acid substitution p.Ala753Ser. To our knowledge, this variant has not been reported in the literature. This variant is reported in 0.00088% of alleles in individuals of European (Non-Finnish) descent in gnomAD. At this time, the clinical significance of this variant is uncertain due to the absence of conclusive functional and genetic evidence.

NM_005458.8(GABBR2):c.2257G>T (p.Ala753Ser)

Gene: GABBR2 (gamma-aminobutyric acid type B receptor subunit 2; minus strand). Cytogenetic location: 9q22.33.
Variant type: single nucleotide variant.
Coding change: c.2257G>T on transcript NM_005458.8 (MANE Select); coding-DNA position 2257, G replaced by T.
Protein change: p.Ala753Ser; replaces alanine 753 with serine.
Molecular consequence: missense variant.
Genome position (GRCh38, 1-based): chr9:98,303,396, C>A on the plus strand (G>T on the coding strand, the complement: GABBR2 is on the minus strand). VCF-style: chr9-98303396-C-A. GRCh37 (hg19) VCF-style: chr9-101065678-C-A.
Other names: c.2257G>T (NM_005458.7); short protein forms A753S.
Identifiers: ClinVar variation 3013237 (VCV003013237.5), dbSNP rs761164200, ClinGen allele CA5152494.